The following is an entry in ClinVar:

NM_004999.4(MYO6):c.1520A>C (p.His507Pro)

Gene: MYO6 (myosin VI; plus strand). Cytogenetic location: 6q14.1.
Variant type: single nucleotide variant.
Coding change: c.1520A>C on transcript NM_004999.4 (MANE Select); coding-DNA position 1520, A replaced by C.
Protein change: p.His507Pro; replaces histidine 507 with proline.
Molecular consequence: missense variant. On other transcripts: non-coding transcript variant (1).
Genome position (GRCh38, 1-based): chr6:75,861,069, A>C. VCF-style: chr6-75861069-A-C. GRCh37 (hg19) VCF-style: chr6-76570786-A-C.
Other names: c.1520A>C, p.His507Pro (NM_001300899.2, NM_001368136.1, NM_001368137.1 and 2 more transcripts); c.1505A>C, p.His502Pro (NM_001368138.1); short protein forms H502P, H507P.
Identifiers: ClinVar variation 4625602 (VCV004625602.2).

ClinVar aggregate classification (germline): Uncertain significance. Review status: criteria provided, multiple submitters, no conflicts (2 of 4 stars). 2 submissions from 2 submitters: Uncertain significance (2). Last evaluated 2025-12-03.

Conditions:
Inborn genetic diseases. Identifiers: MedGen C0950123, MeSH D030342.

gnomAD v4.1: 1 of 1,610,618 alleles (0.000062%); highest among the groups gnomAD compares: Admixed American, 0.0017%; no homozygotes.

Submissions (2):

Women's Health and Genetics/Laboratory Corporation of America, LabCorp
Classification: Uncertain significance. Last evaluated: 2025-12-03. Review status: criteria provided, single submitter. Criteria: LabCorp Variant Classification Summary - May 2015. Collection method: clinical testing. Allele origin: germline.
Comment: Variant summary: MYO6 c.1520A>C (p.His507Pro) results in a non-conservative amino acid change in the encoded protein sequence. Algorithms developed to predict the effect of missense changes on protein structure and function are either unavailable or do not agree on the potential impact of this missense change. The variant allele was found at a frequency of 4e-06 in 251190 control chromosomes. The available data on variant occurrences in the general population are insufficient to allow any conclusion about variant significance. To our knowledge, no occurrence of c.1520A>C in individuals affected with MYO6-related conditions and no experimental evidence demonstrating its impact on protein function have been reported. No submitters have cited clinical-significance assessments for this variant to ClinVar. Based on the evidence outlined above, the variant was classified as uncertain significance.

Ambry Genetics
Classification: Uncertain significance for Inborn genetic diseases. Last evaluated: 2025-12-02. Review status: criteria provided, single submitter. Criteria: Ambry Variant Classification Scheme 2023. Collection method: clinical testing. Allele origin: germline.